The following is an entry in ClinVar:

NM_000965.5(RARB):c.872_873delinsCA (p.His291Pro)

Gene: RARB (retinoic acid receptor beta; plus strand). Cytogenetic location: 3p24.2.
Variant type: Indel.
Coding change: c.872_873delinsCA on transcript NM_000965.5 (MANE Select); coding-DNA positions 872 to 873, AC replaced by CA.
Protein change: p.His291Pro; replaces histidine 291 with proline.
Molecular consequence: missense variant. On other transcripts: non-coding transcript variant (1), intron variant (1).
Genome position (GRCh38, 1-based): chr3:25,593,588-25,593,589, AC replaced by CA. VCF-style: chr3-25593588-AC-CA. GRCh37 (hg19) VCF-style: chr3-25635079-AC-CA.
Other names: c.893_894delinsCA, p.His298Pro (NM_001290216.3); c.536_537delinsCA, p.His179Pro (NM_001290217.2, NM_001290276.2, NM_016152.4); c.725_726delinsCA, p.His242Pro (NM_001290266.2); c.743_744delinsCA, p.His248Pro (NM_001290300.2); c.787-53_787-52delinsCA (NM_001290277.1); short protein forms H179P, H242P, H248P, H291P, H298P.
Identifiers: ClinVar variation 1309156 (VCV001309156.2), dbSNP rs2125325451, ClinGen allele CA2573052133.
Genomic context (GRCh38, chr3:25,593,588, plus strand): 5'-CCCCAGAACAAGACACCATGACTTTCTCAGACGGCCTTACCCTAAATCGAACTCAGATGC[AC>CA]AATGCTGGATTTGGTCCTCTGACTGACCTTGTGTTCACCTTTGCCAACCAGCTCCTGCCT-3'
Protein context (NP_000956.2, residues 281-301): DGLTLNRTQM[His291Pro]NAGFGPLTDL

ClinVar aggregate classification (germline): Uncertain significance (1 of 4 stars; one submission).

Submission:

GeneDx
Classification: Uncertain significance. Last evaluated: 2019-10-16. Review status: criteria provided, single submitter. Criteria: GeneDx Variant Classification Process June 2021. Collection method: clinical testing. Allele origin: germline. Affected: yes.
Comment: Not observed in large population cohorts (Lek et al., 2016); In silico analysis, which includes protein predictors and evolutionary conservation, supports a deleterious effect; Has not been previously published as pathogenic or benign to our knowledge